The following is an entry in ClinVar:

NM_004260.4(RECQL4):c.2123A>G (p.Asn708Ser)

Gene: RECQL4 (RecQ like helicase 4; minus strand). Cytogenetic location: 8q24.3.
Variant type: single nucleotide variant.
Coding change: c.2123A>G on transcript NM_004260.4 (MANE Select); coding-DNA position 2123, A replaced by G.
Protein change: p.Asn708Ser; replaces asparagine 708 with serine.
Molecular consequence: missense variant.
Genome position (GRCh38, 1-based): chr8:144,513,648, T>C on the plus strand (A>G on the coding strand, the complement: RECQL4 is on the minus strand). VCF-style: chr8-144513648-T-C. GRCh37 (hg19) VCF-style: chr8-145739032-T-C.
Other names: short protein forms N708S.
Identifiers: ClinVar variation 565642 (VCV000565642.5), dbSNP rs1564796315, ClinGen allele CA372679844.

ClinVar aggregate classification (germline): Uncertain significance (1 of 4 stars; one submission).

Conditions:
Baller-Gerold syndrome (BGS). Also called: CRANIOSYNOSTOSIS WITH RADIAL DEFECTS. Identifiers: Orphanet 1225, MedGen C0265308, MONDO:0009039, OMIM 218600.

Submission:

Labcorp Genetics (formerly Invitae), Labcorp
Classification: Uncertain significance for Baller-Gerold syndrome. Last evaluated: 2023-04-28. Review status: criteria provided, single submitter. Criteria: Invitae Variant Classification Sherloc (09022015). Collection method: clinical testing. Allele origin: germline.
Comment: This sequence change replaces asparagine, which is neutral and polar, with serine, which is neutral and polar, at codon 708 of the RECQL4 protein (p.Asn708Ser). This variant is not present in population databases (gnomAD no frequency). In summary, the available evidence is currently insufficient to determine the role of this variant in disease. Therefore, it has been classified as a Variant of Uncertain Significance. Algorithms developed to predict the effect of sequence changes on RNA splicing suggest that this variant may disrupt the consensus splice site. Advanced modeling of protein sequence and biophysical properties (such as structural, functional, and spatial information, amino acid conservation, physicochemical variation, residue mobility, and thermodynamic stability) performed at Invitae indicates that this missense variant is not expected to disrupt RECQL4 protein function. ClinVar contains an entry for this variant (Variation ID: 565642). This variant has not been reported in the literature in individuals affected with RECQL4-related conditions.